The following is an entry in ClinVar:

ClinVar aggregate classification (germline): Uncertain significance (1 of 4 stars; one submission).

Conditions:
Epileptic encephalopathy. Identifiers: MedGen C0543888, HP:0200134.

Allele frequency attached by ClinVar (database versions not stated): gnomAD 0.00003; TOPMed 0.00005; gnomAD exomes below 0.00001 and 0.00001; ExAC 0.00001.

Submission:

Labcorp Genetics (formerly Invitae), Labcorp
Classification: Uncertain significance for Epileptic encephalopathy. Last evaluated: 2023-11-07. Review status: criteria provided, single submitter. Criteria: Invitae Variant Classification Sherloc (09022015). Collection method: clinical testing. Allele origin: germline.
Comment: This sequence change replaces glutamic acid, which is acidic and polar, with lysine, which is basic and polar, at codon 934 of the FASN protein (p.Glu934Lys). This variant is present in population databases (rs746105716, gnomAD 0.007%). This variant has not been reported in the literature in individuals affected with FASN-related conditions. ClinVar contains an entry for this variant (Variation ID: 1053553). Algorithms developed to predict the effect of missense changes on protein structure and function output the following: SIFT: "Not Available"; PolyPhen-2: "Benign"; Align-GVGD: "Not Available". The lysine amino acid residue is found in multiple mammalian species, which suggests that this missense change does not adversely affect protein function. In summary, the available evidence is currently insufficient to determine the role of this variant in disease. Therefore, it has been classified as a Variant of Uncertain Significance.

NM_004104.5(FASN):c.2800G>A (p.Glu934Lys)

Gene: FASN (fatty acid synthase; minus strand). Cytogenetic location: 17q25.3.
Variant type: single nucleotide variant.
Coding change: c.2800G>A on transcript NM_004104.5 (MANE Select); coding-DNA position 2800, G replaced by A.
Protein change: p.Glu934Lys; replaces glutamic acid 934 with lysine.
Molecular consequence: missense variant.
Genome position (GRCh38, 1-based): chr17:82,088,020, C>T on the plus strand (G>A on the coding strand, the complement: FASN is on the minus strand). VCF-style: chr17-82088020-C-T. GRCh37 (hg19) VCF-style: chr17-80045896-C-T.
Other names: short protein forms E934K.
Identifiers: ClinVar variation 1053553 (VCV001053553.9), dbSNP rs746105716, ClinGen allele CA8852639.
Genomic context (GRCh38, chr17:82,088,020, plus strand): 5'-CTACCAGGTTGCCGTTCTCTGACACCTCGAAGGCACGGGAGGCCTCCAGGAGCCGTACCT[C>T]CAGGGACACTGTCCCTGCAGAGCGGGAGAGTTGGAGATCAGAGGGCAGCACCCGCCCCCC-3'
Protein context (NP_004095.4, residues 924-944): ILPKTGTVSL[Glu934Lys]VRLLEASRAF